The following is an entry in ClinVar:

ClinVar aggregate classification (germline): Conflicting classifications of pathogenicity. Review status: criteria provided, conflicting classifications (1 of 4 stars). 3 submissions from 3 submitters: Uncertain significance (2); Likely benign (1). Last evaluated 2023-11-28.

Conditions:
Bloom syndrome (BLM). Also called: Bloom-Torre-Machacek syndrome. Identifiers: Orphanet 125, MedGen C0005859, MONDO:0008876, OMIM 210900.
Hereditary cancer-predisposing syndrome. Also called: Neoplastic Syndromes, Hereditary; Hereditary Cancer Syndrome; Tumor predisposition; Hereditary neoplastic syndrome. Identifiers: Orphanet 140162, MedGen C0027672, MeSH D009386, MONDO:0015356.

Allele frequency attached by ClinVar (database versions not stated): gnomAD below 0.00001 and 0.00002; TOPMed below 0.00001; gnomAD exomes 0.00002 and 0.00004; ExAC 0.00005; 1000 Genomes Project 0.00020; 1000 Genomes Project 30x 0.00031.
gnomAD v4.1: 26 of 1,614,144 alleles (0.0016%); highest among the groups gnomAD compares: South Asian, 0.027%; no homozygotes.

Submissions (3):

Quest Diagnostics Nichols Institute San Juan Capistrano
Classification: Uncertain significance. Last evaluated: 2023-11-28. Review status: criteria provided, single submitter. Criteria: Quest Diagnostics criteria. Collection method: clinical testing. Allele origin: unknown.
Comment: The BLM c.379A>G (p.Thr127Ala) variant has not been reported in individuals with BLM-related conditions in the published literature. The frequency of this variant in the general population, 0.00033 (10/30612 chromosomes (Genome Aggregation Database)), is uninformative in the assessment of its pathogenicity. Analysis of this variant using bioinformatics tools for the prediction of the effect of amino acid changes on protein structure and function yielded predictions that this variant is benign. Based on the available information, we are unable to determine the clinical significance of this variant.

Ambry Genetics
Classification: Likely benign for Hereditary cancer-predisposing syndrome. Last evaluated: 2022-06-15. Review status: criteria provided, single submitter. Criteria: Ambry Variant Classification Scheme 2023. Collection method: clinical testing. Allele origin: germline.

Labcorp Genetics (formerly Invitae), Labcorp
Classification: Uncertain significance for Bloom syndrome. Last evaluated: 2022-06-08. Review status: criteria provided, single submitter. Criteria: Invitae Variant Classification Sherloc (09022015). Collection method: clinical testing. Allele origin: germline.
Comment: This sequence change replaces threonine, which is neutral and polar, with alanine, which is neutral and non-polar, at codon 127 of the BLM protein (p.Thr127Ala). This variant is present in population databases (rs528474170, gnomAD 0.03%). This variant has not been reported in the literature in individuals affected with BLM-related conditions. ClinVar contains an entry for this variant (Variation ID: 573429). Algorithms developed to predict the effect of missense changes on protein structure and function output the following: SIFT: "Tolerated"; PolyPhen-2: "Benign"; Align-GVGD: "Class C0". The alanine amino acid residue is found in multiple mammalian species, which suggests that this missense change does not adversely affect protein function. In summary, the available evidence is currently insufficient to determine the role of this variant in disease. Therefore, it has been classified as a Variant of Uncertain Significance.

NM_000057.4(BLM):c.379A>G (p.Thr127Ala)

Gene: BLM (BLM RecQ like helicase; plus strand). Cytogenetic location: 15q26.1.
Variant type: single nucleotide variant.
Coding change: c.379A>G on transcript NM_000057.4 (MANE Select); coding-DNA position 379, A replaced by G.
Protein change: p.Thr127Ala; replaces threonine 127 with alanine.
Molecular consequence: missense variant. On other transcripts: 5 prime UTR variant (1).
Genome position (GRCh38, 1-based): chr15:90,749,647, A>G. VCF-style: chr15-90749647-A-G. GRCh37 (hg19) VCF-style: chr15-91292877-A-G.
Other names: c.379A>G, p.Thr127Ala (NM_001287246.2, NM_001287247.2); c.-913A>G (NM_001287248.2); short protein forms T127A.
Identifiers: ClinVar variation 573429 (VCV000573429.10), dbSNP rs528474170, ClinGen allele CA7738286.